The following is an entry in ClinVar:

NM_004260.4(RECQL4):c.3120G>C (p.Pro1040=)

Gene: RECQL4 (RecQ like helicase 4; minus strand). Cytogenetic location: 8q24.3.
Variant type: single nucleotide variant.
Coding change: c.3120G>C on transcript NM_004260.4 (MANE Select); coding-DNA position 3120, G replaced by C.
Protein change: p.Pro1040=; no amino-acid change (proline 1040 retained).
Molecular consequence: synonymous variant.
Genome position (GRCh38, 1-based): chr8:144,512,260, C>G on the plus strand (G>C on the coding strand, the complement: RECQL4 is on the minus strand). VCF-style: chr8-144512260-C-G. GRCh37 (hg19) VCF-style: chr8-145737643-C-G.
Identifiers: ClinVar variation 1562163 (VCV001562163.10), dbSNP rs771832340, ClinGen allele CA463565892.

ClinVar aggregate classification (germline): Likely benign. Review status: criteria provided, multiple submitters, no conflicts (2 of 4 stars). 2 submissions from 2 submitters: Likely benign (2). Last evaluated 2026-09-01.

Conditions:
Baller-Gerold syndrome (BGS). Also called: CRANIOSYNOSTOSIS WITH RADIAL DEFECTS. Identifiers: Orphanet 1225, MedGen C0265308, MONDO:0009039, OMIM 218600.

gnomAD v4.1: 6 of 1,612,442 alleles (0.00037%); highest among the groups gnomAD compares: East Asian, 0.0022%; no homozygotes.

Submissions (2):

CeGaT Center for Human Genetics Tuebingen
Classification: Likely benign. Last evaluated: 2026-09-01. Review status: criteria provided, single submitter. Criteria: CeGaT Center For Human Genetics Tuebingen Variant Classification Criteria Version 2. Collection method: clinical testing. Allele origin: germline. Affected: yes. Observed: 1 variant allele.
Comment: RECQL4: BP4, BP7

Labcorp Genetics (formerly Invitae), Labcorp
Classification: Likely benign for Baller-Gerold syndrome. Last evaluated: 2024-02-17. Review status: criteria provided, single submitter. Criteria: Invitae Variant Classification Sherloc (09022015). Collection method: clinical testing. Allele origin: germline.